The following is an entry in ClinVar:

ClinVar aggregate classification (germline): Pathogenic (1 of 4 stars; one submission).

Conditions:
Short stature-brachydactyly-obesity-global developmental delay syndrome. Also called: Short stature, brachydactyly, intellectual developmental disability, and seizures; SHORT STATURE, BRACHYDACTYLY, IMPAIRED INTELLECTUAL DEVELOPMENT, AND SEIZURES. Identifiers: Orphanet 464288, MedGen C4310689, MONDO:0014944, OMIM 617157.

gnomAD v4.1: 4 of 1,614,174 alleles (0.00025%); highest among the groups gnomAD compares: Non-Finnish European, 0.00034%; no homozygotes.

Submission:

Department of Clinical Genetics, Aarhus University Hospital
Classification: Pathogenic for Short stature-brachydactyly-obesity-global developmental delay syndrome. Review status: criteria provided, single submitter. Criteria: ACMG Guidelines, 2015. Collection method: clinical testing. Allele origin: germline. Affected: yes.
Comment: This variant was found in compound heterozygous state with PRMT7 c.130A>G (p.(Arg44Gly)). The variant has previously been identified in homozygous state in a patient with PRMT7-related condition (PMID: 36399134). The variant is seen with a frequency of 2.74e-06 in the gnomAD 4.0 database. The variant is a nonsense variant predicted to cause a premature termination codon in exon 11 of 19 potentially leading to NMD and loss-of-function. According to the ACMG guidelines, this variant is interpreted as pathogenic (PVS1, PM2_supporting, PM3_supporting).

Literature cited by the submitters: PubMed 36399134.

NM_019023.5(PRMT7):c.1105C>T (p.Gln369Ter)

Gene: PRMT7 (protein arginine methyltransferase 7; plus strand). Cytogenetic location: 16q22.1.
Variant type: single nucleotide variant.
Coding change: c.1105C>T on transcript NM_019023.5 (MANE Select); coding-DNA position 1105, C replaced by T.
Protein change: p.Gln369Ter; replaces glutamine 369 with a stop codon.
Molecular consequence: nonsense. On other transcripts: non-coding transcript variant (12).
Genome position (GRCh38, 1-based): chr16:68,346,194, C>T. VCF-style: chr16-68346194-C-T. GRCh37 (hg19) VCF-style: chr16-68380097-C-T.
Other names: c.955C>T, p.Gln319Ter (NM_001184824.4); c.1105C>T, p.Gln369Ter (NM_001290018.2, NM_001351143.3, NM_001351144.3 and 1 more transcripts); c.898C>T, p.Gln300Ter (NM_001378020.1); c.868C>T, p.Gln290Ter (NM_001378021.1, NM_001378022.1, NM_001378023.1); short protein forms Q290*, Q300*, Q319*, Q369*.
Identifiers: ClinVar variation 3893271 (VCV003893271.1).